The following is an entry in ClinVar:

NM_014208.3(DSPP):c.1770_1772del (p.Ser591del)

Genes: DMP1-AS1 (DMP1 and DSPP antisense RNA 1; minus strand), DSPP (dentin sialophosphoprotein; plus strand). Cytogenetic location: 4q22.1.
Variant type: Deletion.
Coding change: c.1770_1772del on transcript NM_014208.3 (MANE Select); coding-DNA positions 1770 to 1772, 3 bases deleted (CAG; older notation c.1770_1772delCAG).
Protein change: p.Ser591del; deletes serine 591.
Molecular consequence: inframe deletion.
Genome position (GRCh38, 1-based): chr4:87,614,432-87,614,434, CAG deleted; deleting any 3 consecutive bases within chr4:87,614,430-87,614,434 gives the same sequence; the c. name uses the placement nearest the transcript's 3' end. VCF-style (leftmost placement, unchanged base first): chr4-87614429-TAGC-T. GRCh37 (hg19) VCF-style: chr4-88535581-TAGC-T.
Other names: short protein forms S591del.
Identifiers: ClinVar variation 1313666 (VCV001313666.2), dbSNP rs766478511, ClinGen allele CA3001153.

ClinVar aggregate classification (germline): Uncertain significance (1 of 4 stars; one submission).

Submission:

GeneDx
Classification: Uncertain significance. Last evaluated: 2020-11-13. Review status: criteria provided, single submitter. Criteria: GeneDx Variant Classification Process June 2021. Collection method: clinical testing. Allele origin: germline. Affected: yes.
Comment: Not observed in large population cohorts (Lek et al., 2016); In-frame deletion of 1 amino acid in a non-repeat region; In silico analysis supports that this variant does not alter protein structure/function; Has not been previously published as pathogenic or benign to our knowledge